The following is an entry in ClinVar:

NM_001199397.3(NEK1):c.602del (p.His201fs)

Gene: NEK1 (NIMA related kinase 1; minus strand). Cytogenetic location: 4q33.
Variant type: Deletion.
Coding change: c.602del on transcript NM_001199397.3 (MANE Select); coding-DNA position 602, one base deleted (A; older notation c.602delA).
Protein change: p.His201fs; shifts the reading frame from histidine 201.
Molecular consequence: frameshift variant. On other transcripts: non-coding transcript variant (1).
Genome position (GRCh38, 1-based): chr4:169,587,563, T deleted on the plus strand (A on the coding strand, the reverse complement: NEK1 is on the minus strand). VCF-style (leftmost placement, unchanged base first): chr4-169587562-AT-A. GRCh37 (hg19) VCF-style: chr4-170508713-AT-A.
Other names: c.602del, p.His201fs (NM_001199398.3, NM_001199399.3, NM_001199400.3 and 7 more transcripts); short protein forms H201fs.
Identifiers: ClinVar variation 1458767 (VCV001458767.6), dbSNP rs2150079083, ClinGen allele CA2573138130.

ClinVar aggregate classification (germline): Pathogenic (1 of 4 stars; one submission).

Conditions:
Short-rib thoracic dysplasia 6 with or without polydactyly (SRTD6). Also called: SHORT-RIB THORACIC DYSPLASIA 6 WITH POLYDACTYLY; SHORT-RIB THORACIC DYSPLASIA 6 WITHOUT POLYDACTYLY; POLYDACTYLY WITH NEONATAL CHONDRODYSTROPHY, TYPE II; Majewski Syndrome; SHORT RIB-POLYDACTYLY SYNDROME, TYPE IIA. Identifiers: MedGen C0024507, MONDO:0009894, OMIM 263520.

Submission:

Labcorp Genetics (formerly Invitae), Labcorp
Classification: Pathogenic for Short-rib thoracic dysplasia 6 with or without polydactyly. Last evaluated: 2021-07-10. Review status: criteria provided, single submitter. Criteria: Invitae Variant Classification Sherloc (09022015). Collection method: clinical testing. Allele origin: germline.
Comment: This sequence change creates a premature translational stop signal (p.His201Leufs*8) in the NEK1 gene. It is expected to result in an absent or disrupted protein product. Loss-of-function variants in NEK1 are known to be pathogenic (PMID: 22499340, 29068549). This variant is not present in population databases (ExAC no frequency). This variant has not been reported in the literature in individuals affected with NEK1-related conditions. For these reasons, this variant has been classified as Pathogenic.

Literature cited by the submitters: PubMed 22499340; PubMed 29068549.